The following is an entry in ClinVar:

NM_001035.3(RYR2):c.1814G>T (p.Gly605Val)

Gene: RYR2 (ryanodine receptor 2; plus strand). Cytogenetic location: 1q43.
Variant type: single nucleotide variant.
Coding change: c.1814G>T on transcript NM_001035.3 (MANE Select); coding-DNA position 1814, G replaced by T.
Protein change: p.Gly605Val; replaces glycine 605 with valine.
Molecular consequence: missense variant.
Genome position (GRCh38, 1-based): chr1:237,491,911, G>T. VCF-style: chr1-237491911-G-T. GRCh37 (hg19) VCF-style: chr1-237655211-G-T.
Other names: short protein forms G605V.
Identifiers: ClinVar variation 2737123 (VCV002737123.3), dbSNP rs1663391660, ClinGen allele CA345388337.
Genomic context (GRCh38, chr1:237,491,911, plus strand): 5'-CTCTAAATATTATTAAAGAAGGACATATTAAATCTATTATCTCACTTTTAGACAAACATG[G>T]AAGAAATCACAAGGTAAATGAACTATTTTATTTCCCTGAATGAATTCTCAAATCCTTTTA-3'
Protein context (NP_001026.2, residues 595-615): KSIISLLDKH[Gly605Val]RNHKVLDVLC

ClinVar aggregate classification (germline): Pathogenic (1 of 4 stars; one submission).

Conditions:
Catecholaminergic polymorphic ventricular tachycardia 1. Also called: VENTRICULAR TACHYCARDIA, CATECHOLAMINERGIC POLYMORPHIC, 1, WITH OR WITHOUT ATRIAL DYSFUNCTION AND/OR DILATED CARDIOMYOPATHY; RYR2-Related Catecholaminergic Polymorphic Ventricular Tachycardia; VENTRICULAR TACHYCARDIA, STRESS-INDUCED POLYMORPHIC 1. Identifiers: Orphanet 3286, MedGen C1631597, MONDO:0011484, OMIM 604772.

Submission:

Labcorp Genetics (formerly Invitae), Labcorp
Classification: Pathogenic for Catecholaminergic polymorphic ventricular tachycardia 1. Last evaluated: 2023-09-07. Review status: criteria provided, single submitter. Criteria: Invitae Variant Classification Sherloc (09022015). Collection method: clinical testing. Allele origin: germline.
Comment: For these reasons, this variant has been classified as Pathogenic. Advanced modeling of protein sequence and biophysical properties (such as structural, functional, and spatial information, amino acid conservation, physicochemical variation, residue mobility, and thermodynamic stability) performed at Invitae indicates that this missense variant is expected to disrupt RYR2 protein function. This missense change has been observed in individual(s) with clinical features of RYR2-related conditions (Invitae). In at least one individual the variant was observed to be de novo. This variant is not present in population databases (gnomAD no frequency). This sequence change replaces glycine, which is neutral and non-polar, with valine, which is neutral and non-polar, at codon 605 of the RYR2 protein (p.Gly605Val).